The following is an entry in ClinVar:

ClinVar aggregate classification (germline): Uncertain significance (1 of 4 stars; one submission).

Conditions:
Hereditary cancer-predisposing syndrome. Also called: Neoplastic Syndromes, Hereditary; Hereditary Cancer Syndrome; Tumor predisposition; Hereditary neoplastic syndrome. Identifiers: Orphanet 140162, MedGen C0027672, MeSH D009386, MONDO:0015356.

Submission:

Ambry Genetics
Classification: Uncertain significance for Hereditary cancer-predisposing syndrome. Last evaluated: 2024-12-16. Review status: criteria provided, single submitter. Criteria: Ambry Variant Classification Scheme 2023. Collection method: clinical testing. Allele origin: germline.
Comment: The p.D1134Y variant (also known as c.3400G>T), located in coding exon 24 of the SMARCA4 gene, results from a G to T substitution at nucleotide position 3400. The aspartic acid at codon 1134 is replaced by tyrosine, an amino acid with highly dissimilar properties. This amino acid position is conserved. In addition, this alteration is predicted to be deleterious by in silico analysis. Based on the available evidence, the clinical significance of this variant remains unclear.

NM_003072.5(SMARCA4):c.3400G>T (p.Asp1134Tyr)

Gene: SMARCA4 (SWI/SNF related BAF chromatin remodeling complex subunit ATPase 4; plus strand). Cytogenetic location: 19p13.2.
Variant type: single nucleotide variant.
Coding change: c.3400G>T on transcript NM_003072.5 (MANE Select); coding-DNA position 3400, G replaced by T.
Protein change: p.Asp1134Tyr; replaces aspartic acid 1134 with tyrosine.
Molecular consequence: missense variant. On other transcripts: non-coding transcript variant (1).
Genome position (GRCh38, 1-based): chr19:11,030,747, G>T. VCF-style: chr19-11030747-G-T. GRCh37 (hg19) VCF-style: chr19-11141423-G-T.
Other names: c.3400G>T, p.Asp1134Tyr (NM_001128844.3, NM_001128845.2, NM_001128846.2 and 6 more transcripts); short protein forms D1134Y.
Identifiers: ClinVar variation 3798882 (VCV003798882.1).